The following is an entry in ClinVar:

ClinVar aggregate classification (germline): Uncertain significance (1 of 4 stars; one submission).

Conditions:
Inborn genetic diseases. Identifiers: MedGen C0950123, MeSH D030342.

Allele frequency attached by ClinVar (database versions not stated): TOPMed below 0.00001; gnomAD 0.00001; gnomAD exomes 0.00001.
gnomAD v4.1: 7 of 1,182,040 alleles (0.00059%); highest among the groups gnomAD compares: Non-Finnish European, 0.00079%; no homozygotes.

Submission:

Ambry Genetics
Classification: Uncertain significance for Inborn genetic diseases. Last evaluated: 2021-03-30. Review status: criteria provided, single submitter. Criteria: Ambry Variant Classification Scheme 2023. Collection method: clinical testing. Allele origin: germline.
Comment: The c.3937C>G (p.P1313A) alteration is located in exon 9 (coding exon 8) of the BCOR gene. This alteration results from a C to G substitution at nucleotide position 3937, causing the proline (P) at amino acid position 1313 to be replaced by an alanine (A). The p.P1313A alteration is predicted to be tolerated by in silico analysis. Based on insufficient or conflicting evidence, the clinical significance of this alteration remains unclear.

NM_001123385.2(BCOR):c.3937C>G (p.Pro1313Ala)

Gene: BCOR (BCL6 corepressor; minus strand). Cytogenetic location: Xp11.4.
Variant type: single nucleotide variant.
Coding change: c.3937C>G on transcript NM_001123385.2 (MANE Select); coding-DNA position 3937, C replaced by G.
Protein change: p.Pro1313Ala; replaces proline 1313 with alanine.
Molecular consequence: missense variant.
Genome position (GRCh38, 1-based): chrX:40,062,982, G>C on the plus strand (C>G on the coding strand, the complement: BCOR is on the minus strand). VCF-style: chrX-40062982-G-C. GRCh37 (hg19) VCF-style: chrX-39922235-G-C.
Other names: c.3835C>G, p.Pro1279Ala (NM_017745.6, NM_001123383.2); c.3781C>G, p.Pro1261Ala (NM_001123384.2); short protein forms P1279A, P1261A, P1313A.
Identifiers: ClinVar variation 2206453 (VCV002206453.2), dbSNP rs930630046, ClinGen allele CA327984978.